The following is an entry in ClinVar:

NM_001367949.2(FAT3):c.1716C>T (p.Asn572=)

Gene: FAT3 (FAT atypical cadherin 3; plus strand). Cytogenetic location: 11q14.3.
Variant type: single nucleotide variant.
Coding change: c.1716C>T on transcript NM_001367949.2 (MANE Select); coding-DNA position 1716, C replaced by T.
Protein change: p.Asn572=; no amino-acid change (asparagine 572 retained).
Molecular consequence: synonymous variant.
Genome position (GRCh38, 1-based): chr11:92,353,828, C>T. VCF-style: chr11-92353828-C-T. GRCh37 (hg19) VCF-style: chr11-92086994-C-T.
Other names: c.1716C>T, p.Asn572= (NM_001008781.3, NM_001378141.1).
Identifiers: ClinVar variation 721082 (VCV000721082.6), dbSNP rs72970548, ClinGen allele CA6226344.

ClinVar aggregate classification (germline): Likely benign. Review status: criteria provided, multiple submitters, no conflicts (2 of 4 stars). 3 submissions from 3 submitters: Likely benign (2). 1 of the submissions does not count toward it. Last evaluated 2018-07-20.

Conditions:
FAT3-related disorder. Also called: FAT3-related condition.

Allele frequency attached by ClinVar (database versions not stated): gnomAD 0.00041; 1000 Genomes Project 0.00060; 1000 Genomes Project 30x 0.00062; TOPMed 0.00064; ESP Exome Variant Server 0.00100.
gnomAD v4.1: 1,398 of 1,613,698 alleles (0.087%); highest among the groups gnomAD compares: Admixed American, 0.13%; no homozygotes.

Submissions (3):

Labcorp Genetics (formerly Invitae), Labcorp
Classification: Likely benign. Last evaluated: 2018-07-20. Review status: criteria provided, single submitter. Criteria: Invitae Variant Classification Sherloc (09022015). Collection method: clinical testing. Allele origin: germline.

Breakthrough Genomics
Classification: Likely benign. Review status: criteria provided, single submitter. Criteria: ACMG Guidelines, 2015. Collection method: not provided. Allele origin: germline. Inheritance: Unknown mechanism. Affected: yes.

PreventionGenetics, part of Exact Sciences
Classification: Likely benign for FAT3-related condition. Last evaluated: 2019-08-24. Review status: no assertion criteria provided. Collection method: clinical testing. Allele origin: germline. Not counted in ClinVar's aggregate classification.
Comment: This variant is classified as likely benign based on ACMG/AMP sequence variant interpretation guidelines (Richards et al. 2015 PMID: 25741868, with internal and published modifications).